The following is an entry in ClinVar:

ClinVar aggregate classification (germline): Likely pathogenic. Review status: criteria provided, multiple submitters, no conflicts (2 of 4 stars). 3 submissions from 3 submitters: Likely pathogenic (2). 1 of the submissions does not count toward it. Last evaluated 2026-03-25.

Conditions:
CFTR-related disorder (CFTR-RD). Also called: CFTR-related disorders; CFTR-related condition. Identifiers: MedGen C5924204, MONDO:7770004.
Cystic fibrosis (CF). Also called: MUCOVISCIDOSIS. Identifiers: Orphanet 586, MedGen C0010674, MONDO:0009061, OMIM 219700. Disease mechanism: loss of function.

Submissions (3):

Women's Health and Genetics/Laboratory Corporation of America, LabCorp
Classification: Likely pathogenic for Cystic fibrosis. Last evaluated: 2026-03-25. Review status: criteria provided, single submitter. Criteria: LabCorp Variant Classification Summary - May 2015. Collection method: clinical testing. Allele origin: germline.
Comment: Variant summary: CFTR c.3212A>C (p.Gln1071Pro) results in a non-conservative amino acid change in the encoded protein sequence. Algorithms developed to predict the effect of missense changes on protein structure and function all suggest that this variant is likely to be disruptive. The variant was absent in 251022 control chromosomes. c.3212A>C has been observed in the compound heterozygous state in trans with F508del in an individual affected with Cystic Fibrosis (Ghanem_1994). Several publications report experimental evidence evaluating an impact on protein function and found that the variant results in a severe CFTR processing and maturation defect (e.g. Seibert_1996, Loo_2006, He_2013). The following publications have been ascertained in the context of this evaluation (PMID: 7522211, 23104983, 16417523, 8662892). ClinVar contains an entry for this variant (Variation ID: 7209). Based on the evidence outlined above, the variant was classified as likely pathogenic.

Natera, Inc.
Classification: Likely pathogenic for CFTR-related disorders. Last evaluated: 2025-08-07. Review status: criteria provided, single submitter. Criteria: Natera Variant Classification Schema (03/2026). Collection method: clinical testing. Allele origin: germline.
Comment: The c.3212A>C variant in CFTR is a missense variant predicted to cause substitution of glutamine to proline at amino acid 1071. This variant is rare in the general population with a frequency below the threshold expected for the associated phenotype(s). This variant has been observed in one or more individuals affected with the associated recessive disease, as either homozygous or compound heterozygous with a second variant (PMID: 7522211). Functional studies show that this variant may disrupt protein function (PMID: 16417523). Computational prediction algorithms indicate this variant is likely to affect gene or protein function. Given the available evidence, this variant is classified as Likely Pathogenic.

OMIM
Classification: Pathogenic for CYSTIC FIBROSIS. Last evaluated: 1994-05-15. Review status: no assertion criteria provided. Collection method: literature only. Allele origin: germline. Not counted in ClinVar's aggregate classification.

Literature cited by the submitters: PubMed 7522211 (cited by 3 submitters); PubMed 8662892 (cited by Women's Health and Genetics/Laboratory Corporation of America, LabCorp); PubMed 16417523 (cited by Women's Health and Genetics/Laboratory Corporation of America, LabCorp and Natera, Inc.); PubMed 23104983 (cited by Women's Health and Genetics/Laboratory Corporation of America, LabCorp).

NM_000492.4(CFTR):c.3212A>C (p.Gln1071Pro)

Genes: CFTR (CF transmembrane conductance regulator; plus strand), CFTR-AS2 (CFTR antisense RNA 2; minus strand), LOC111674472 (DNase I hypersensitive sites in introns 16 and 17a of CFTR; plus strand). Cytogenetic location: 7q31.2.
Variant type: single nucleotide variant.
Coding change: c.3212A>C on transcript NM_000492.4 (MANE Select); coding-DNA position 3212, A replaced by C.
Protein change: p.Gln1071Pro; replaces glutamine 1071 with proline.
Molecular consequence: missense variant.
Genome position (GRCh38, 1-based): chr7:117,611,653, A>C. VCF-style: chr7-117611653-A-C. GRCh37 (hg19) VCF-style: chr7-117251707-A-C.
Other names: short protein forms Q1071P.
Identifiers: ClinVar variation 7209 (VCV000007209.3), dbSNP rs121909037, ClinGen allele CA325597.
Genomic context (GRCh38, chr7:117,611,653, plus strand): 5'-TTTTCACTCATCTTGTTACAAGCTTAAAAGGACTATGGACACTTCGTGCCTTCGGACGGC[A>C]GCCTTACTTTGAAACTCTGTTCCACAAAGCTCTGAATTTACATACTGCCAACTGGTTCTT-3'
Protein context (NP_000483.3, residues 1061-1081): GLWTLRAFGR[Gln1071Pro]PYFETLFHKA